The following is an entry in ClinVar:

ClinVar aggregate classification (germline): Uncertain significance (1 of 4 stars; one submission).

Submission:

GeneDx
Classification: Uncertain significance. Last evaluated: 2024-09-17. Review status: criteria provided, single submitter. Criteria: GeneDx Variant Classification Process June 2021. Collection method: clinical testing. Allele origin: germline. Affected: yes.
Comment: Not observed at significant frequency in large population cohorts (gnomAD); In silico analysis supports that this missense variant has a deleterious effect on protein structure/function; Has not been previously published as pathogenic or benign to our knowledge; This variant is associated with the following publications: (PMID: 24894818)

NM_002485.5(NBN):c.214T>A (p.Ser72Thr)

Gene: NBN (nibrin; minus strand). Cytogenetic location: 8q21.3.
Variant type: single nucleotide variant.
Coding change: c.214T>A on transcript NM_002485.5 (MANE Select); coding-DNA position 214, T replaced by A.
Protein change: p.Ser72Thr; replaces serine 72 with threonine.
Molecular consequence: missense variant. On other transcripts: 5 prime UTR variant (1).
Genome position (GRCh38, 1-based): chr8:89,981,481, A>T on the plus strand (T>A on the coding strand, the complement: NBN is on the minus strand). VCF-style: chr8-89981481-A-T. GRCh37 (hg19) VCF-style: chr8-90993709-A-T.
Other names: c.-33T>A (NM_001024688.3); short protein forms S72T.
Identifiers: ClinVar variation 3769784 (VCV003769784.1).